The following is an entry in ClinVar:

NM_007294.4(BRCA1):c.2126T>G (p.Phe709Cys)

Gene: BRCA1 (BRCA1 DNA repair associated; minus strand). Cytogenetic location: 17q21.31.
Variant type: single nucleotide variant.
Coding change: c.2126T>G on transcript NM_007294.4 (MANE Select); coding-DNA position 2126, T replaced by G.
Protein change: p.Phe709Cys; replaces phenylalanine 709 with cysteine.
Molecular consequence: missense variant. On other transcripts: intron variant (137).
Genome position (GRCh38, 1-based): chr17:43,093,405, A>C on the plus strand (T>G on the coding strand, the complement: BRCA1 is on the minus strand). VCF-style: chr17-43093405-A-C. GRCh37 (hg19) VCF-style: chr17-41245422-A-C.
Other names: c.1985T>G, p.Phe662Cys (NM_001407945.1, NM_001407692.1, NM_001407694.1 and 29 more transcripts); c.1793T>G, p.Phe598Cys (NM_001407946.1, NM_001407948.1, NM_001407949.1 and 6 more transcripts); c.1913T>G, p.Phe638Cys (NM_001407571.1, NM_001407853.1, NM_001407894.1 and 9 more transcripts); c.2126T>G, p.Phe709Cys (NM_001407581.1, NM_001407582.1, NM_001407583.1 and 30 more transcripts); c.2123T>G, p.Phe708Cys (NM_001407587.1, NM_001407590.1, NM_001407591.1 and 22 more transcripts); c.2117T>G, p.Phe706Cys (NM_001407646.1, NM_001407647.1); c.2003T>G, p.Phe668Cys (NM_001407648.1, NM_001407664.1, NM_001407665.1 and 19 more transcripts); c.2000T>G, p.Phe667Cys (NM_001407649.1, NM_001407670.1, NM_001407671.1 and 11 more transcripts); and 41 more; short protein forms F709C, F662C, F413C, F597C, F620C, F638C, F641C, F642C.
Identifiers: ClinVar variation 569527 (VCV000569527.14), dbSNP rs1567796937, ClinGen allele CA10597752.

ClinVar aggregate classification (germline): Conflicting classifications of pathogenicity. Review status: criteria provided, conflicting classifications (1 of 4 stars). 2 submissions from 2 submitters: Uncertain significance (1); Likely benign (1). Last evaluated 2023-03-23.

Conditions:
Hereditary cancer-predisposing syndrome. Also called: Hereditary neoplastic syndrome; Tumor predisposition; Neoplastic Syndromes, Hereditary; Hereditary Cancer Syndrome. Identifiers: Orphanet 140162, MedGen C0027672, MeSH D009386, MONDO:0015356.
Hereditary breast ovarian cancer syndrome. Also called: Hereditary breast and ovarian cancer syndrome; Breast and ovarian cancer; Hereditary breast and ovarian cancer; Hereditary breast and/or ovarian cancer syndrome; Hereditary breast and ovarian cancer syndrome (HBOC); BRCA1- and BRCA2-Associated Hereditary Breast and Ovarian Cancer. Identifiers: Orphanet 145, MedGen C0677776, MeSH D061325, MONDO:0003582. Disease mechanism: loss of function.

Submissions (2):

University of Washington Department of Laboratory Medicine, University of Washington
Classification: Likely benign for Hereditary cancer-predisposing syndrome. Last evaluated: 2023-03-23. Review status: criteria provided, single submitter. Criteria: Dines et al. (Genet Med. 2020). Collection method: curation. Allele origin: germline.
Comment: Missense variant in a coldspot region where missense variants are very unlikely to be pathogenic (PMID:31911673).

BRCA1 coldspot (exon 11 using historical exon numbering). Reclassification based on statistical prior probability

Labcorp Genetics (formerly Invitae), Labcorp
Classification: Uncertain significance for Hereditary breast ovarian cancer syndrome. Last evaluated: 2020-05-29. Review status: criteria provided, single submitter. Criteria: Invitae Variant Classification Sherloc (09022015). Collection method: clinical testing. Allele origin: germline.
Comment: Algorithms developed to predict the effect of missense changes on protein structure and function do not agree on the potential impact of this missense change (SIFT: "Tolerated"; PolyPhen-2: "Probably Damaging"; Align-GVGD: "Class C0"). This variant has not been reported in the literature in individuals with BRCA1-related disease. This variant is not present in population databases (ExAC no frequency). This sequence change replaces phenylalanine with cysteine at codon 709 of the BRCA1 protein (p.Phe709Cys). The phenylalanine residue is moderately conserved and there is a large physicochemical difference between phenylalanine and cysteine. In summary, the available evidence is currently insufficient to determine the role of this variant in disease. Therefore, it has been classified as a Variant of Uncertain Significance.